The following is an entry in ClinVar:

ClinVar aggregate classification (germline): Uncertain significance. Review status: criteria provided, multiple submitters, no conflicts (2 of 4 stars). 3 submissions from 3 submitters: Uncertain significance (3). Last evaluated 2025-06-27.

Conditions:
MYBPC3-related disorder. Also called: MYBPC3-related disorders; MYBPC3-related condition; MYBPC3-related disease.
Hypertrophic cardiomyopathy. Also called: HYPERTROPHIC MYOCARDIOPATHY. Identifiers: Orphanet 217569, MedGen C0007194, MeSH D002312, MONDO:0005045, HP:0001639.

Allele frequency attached by ClinVar (database versions not stated): TOPMed below 0.00001.

Submissions (3):

Labcorp Genetics (formerly Invitae), Labcorp
Classification: Uncertain significance for Hypertrophic cardiomyopathy. Last evaluated: 2025-06-27. Review status: criteria provided, single submitter. Criteria: Invitae Variant Classification Sherloc (09022015). Collection method: clinical testing. Allele origin: germline.
Comment: This sequence change replaces tryptophan, which is neutral and slightly polar, with arginine, which is basic and polar, at codon 42 of the MYBPC3 protein (p.Trp42Arg). This variant is not present in population databases (gnomAD no frequency). This variant has not been reported in the literature in individuals affected with MYBPC3-related conditions. ClinVar contains an entry for this variant (Variation ID: 1306928). An algorithm developed to predict the effect of missense changes on protein structure and function (PolyPhen-2) suggests that this variant is likely to be disruptive. In summary, the available evidence is currently insufficient to determine the role of this variant in disease. Therefore, it has been classified as a Variant of Uncertain Significance.

PreventionGenetics, part of Exact Sciences
Classification: Uncertain significance for MYBPC3-related condition. Last evaluated: 2025-04-17. Review status: criteria provided, single submitter. Criteria: ACMG Guidelines, 2015. Collection method: clinical testing. Allele origin: germline.
Comment: The MYBPC3 c.124T>C variant is predicted to result in the amino acid substitution p.Trp42Arg. To our knowledge, this variant has not been reported in the literature or in a large population database, indicating this variant is rare. At this time, the clinical significance of this variant is uncertain due to the absence of conclusive functional and genetic evidence.

GeneDx
Classification: Uncertain significance. Last evaluated: 2019-07-08. Review status: criteria provided, single submitter. Criteria: GeneDx Variant Classification Process June 2021. Collection method: clinical testing. Allele origin: germline. Affected: yes.
Comment: Has not been previously published as pathogenic or benign to our knowledge; Not observed in large population cohorts (Lek et al., 2016); In silico analysis, which includes protein predictors and evolutionary conservation, supports a deleterious effect

NM_000256.3(MYBPC3):c.124T>C (p.Trp42Arg)

Gene: MYBPC3 (myosin binding protein C3; minus strand). Cytogenetic location: 11p11.2.
Variant type: single nucleotide variant.
Coding change: c.124T>C on transcript NM_000256.3 (MANE Select); coding-DNA position 124, T replaced by C.
Protein change: p.Trp42Arg; replaces tryptophan 42 with arginine.
Molecular consequence: missense variant.
Genome position (GRCh38, 1-based): chr11:47,351,407, A>G on the plus strand (T>C on the coding strand, the complement: MYBPC3 is on the minus strand). VCF-style: chr11-47351407-A-G. GRCh37 (hg19) VCF-style: chr11-47372958-A-G.
Other names: short protein forms W42R.
Identifiers: ClinVar variation 1306928 (VCV001306928.7), dbSNP rs1335468052, ClinGen allele CA380341884.